The following is an entry in ClinVar:

NM_001173467.3(SP7):c.202T>C (p.Phe68Leu)

Gene: SP7 (Sp7 transcription factor; minus strand). Cytogenetic location: 12q13.13.
Variant type: single nucleotide variant.
Coding change: c.202T>C on transcript NM_001173467.3 (MANE Select); coding-DNA position 202, T replaced by C.
Protein change: p.Phe68Leu; replaces phenylalanine 68 with leucine.
Molecular consequence: missense variant.
Genome position (GRCh38, 1-based): chr12:53,329,240, A>G on the plus strand (T>C on the coding strand, the complement: SP7 is on the minus strand). VCF-style: chr12-53329240-A-G. GRCh37 (hg19) VCF-style: chr12-53723024-A-G.
Other names: c.148T>C, p.Phe50Leu (NM_001300837.2); c.202T>C, p.Phe68Leu (NM_152860.2); short protein forms F50L, F68L.
Identifiers: ClinVar variation 1407292 (VCV001407292.7), dbSNP rs1233589459, ClinGen allele CA385054951.
Genomic context (GRCh38, chr12:53,329,240, plus strand): 5'-AGCCTGAGGTGGGTGCTGGAGGACTGCCTGCAGGTGAAAGGAGCCCATTAGTGCTTGTAA[A>G]GGGGGCTGGATAAGCATCCCCCATGGTTTTGGAGGCTGAAAGGTCACTGCCCACAGAGTA-3'
Protein context (NP_001166938.1, residues 58-78): KTMGDAYPAP[Phe68Leu]TSTNGLLSPA

ClinVar aggregate classification (germline): Uncertain significance (1 of 4 stars; one submission).

Allele frequency attached by ClinVar (database versions not stated): gnomAD exomes below 0.00001 and 0.00001; gnomAD 0.00002; TOPMed 0.00002.
gnomAD v4.1: 7 of 1,613,680 alleles (0.00043%); highest among the groups gnomAD compares: African/African-American, 0.0067%; no homozygotes.

Submission:

Labcorp Genetics (formerly Invitae), Labcorp
Classification: Uncertain significance. Last evaluated: 2025-07-07. Review status: criteria provided, single submitter. Criteria: Invitae Variant Classification Sherloc (09022015). Collection method: clinical testing. Allele origin: germline.
Comment: This sequence change replaces phenylalanine, which is neutral and non-polar, with leucine, which is neutral and non-polar, at codon 68 of the SP7 protein (p.Phe68Leu). This variant is present in population databases (no rsID available, gnomAD 0.01%). This variant has not been reported in the literature in individuals affected with SP7-related conditions. ClinVar contains an entry for this variant (Variation ID: 1407292). An algorithm developed to predict the effect of missense changes on protein structure and function (PolyPhen-2) suggests that this variant is likely to be tolerated. In summary, the available evidence is currently insufficient to determine the role of this variant in disease. Therefore, it has been classified as a Variant of Uncertain Significance.